The following is an entry in ClinVar:

NM_033109.5(PNPT1):c.919-7C>G

Gene: PNPT1 (polyribonucleotide nucleotidyltransferase 1; minus strand). Cytogenetic location: 2p16.1.
Variant type: single nucleotide variant.
Coding change: c.919-7C>G on transcript NM_033109.5 (MANE Select); 7 bases into the intron before coding-DNA position 919, C replaced by G.
Molecular consequence: intron variant.
Genome position (GRCh38, 1-based): chr2:55,671,383, G>C on the plus strand (C>G on the coding strand, the complement: PNPT1 is on the minus strand). VCF-style: chr2-55671383-G-C. GRCh37 (hg19) VCF-style: chr2-55898518-G-C.
Identifiers: ClinVar variation 2650951 (VCV002650951.24), dbSNP rs2529570148, ClinGen allele CA2695200787.

ClinVar aggregate classification (germline): Uncertain significance (1 of 4 stars; one submission).

Submission:

CeGaT Center for Human Genetics Tuebingen
Classification: Uncertain significance. Last evaluated: 2023-02-01. Review status: criteria provided, single submitter. Criteria: CeGaT Center For Human Genetics Tuebingen Variant Classification Criteria Version 2. Collection method: clinical testing. Allele origin: germline. Affected: yes. Observed: 1 variant allele.
Comment: PNPT1: PM2, BP4